The following is an entry in ClinVar:

ClinVar aggregate classification (germline): Likely benign (0 of 4 stars; one submission).

Conditions:
CCNL2-related disorder. Also called: CCNL2-related condition.

Submission:

PreventionGenetics, part of Exact Sciences
Classification: Likely benign for CCNL2-related condition. Last evaluated: 2019-12-03. Review status: no assertion criteria provided. Collection method: clinical testing. Allele origin: germline.
Comment: This variant is classified as likely benign based on ACMG/AMP sequence variant interpretation guidelines (Richards et al. 2015 PMID: 25741868, with internal and published modifications).

NM_030937.6(CCNL2):c.473+10_473+13del

Gene: CCNL2 (cyclin L2; minus strand). Cytogenetic location: 1p36.33.
Variant type: Microsatellite.
Coding change: c.473+10_473+13del on transcript NM_030937.6 (MANE Select); bases 10 to 13 of the intron after coding-DNA position 473, 4 bases deleted (TCAG; older notation c.473+10_473+13delTCAG).
Molecular consequence: intron variant.
Genome position (GRCh38, 1-based): chr1:1,398,220-1,398,223, CTGA deleted on the plus strand (TCAG on the coding strand, the reverse complement: CCNL2 is on the minus strand); deleting any 4 consecutive bases within chr1:1,398,220-1,398,229 gives the same sequence; the c. name uses the placement nearest the transcript's 3' end. VCF-style (leftmost placement, unchanged base first): chr1-1398219-TCTGA-T. GRCh37 (hg19) VCF-style: chr1-1333599-TCTGA-T.
Other names: c.-208+10_-208+13del (NM_001320155.3); c.-214+10_-214+13del (NM_001350500.2); c.-918+10_-918+13del (NM_001320153.3); c.-319+10_-319+13del (NM_001350498.2); c.-325+10_-325+13del (NM_001350499.2); c.-342+10_-342+13del (NM_001350497.2); c.473+10_473+13del (NM_001039577.5).
Identifiers: ClinVar variation 3048381 (VCV003048381.2), dbSNP rs745930579, ClinGen allele CA522241.